The following is an entry in ClinVar:

NM_000257.4(MYH7):c.5676C>A (p.Asn1892Lys)

Gene: MYH7 (myosin heavy chain 7; minus strand). Cytogenetic location: 14q11.2.
Variant type: single nucleotide variant.
Coding change: c.5676C>A on transcript NM_000257.4 (MANE Select); coding-DNA position 5676, C replaced by A.
Protein change: p.Asn1892Lys; replaces asparagine 1892 with lysine.
Molecular consequence: missense variant.
Genome position (GRCh38, 1-based): chr14:23,413,873, G>T on the plus strand (C>A on the coding strand, the complement: MYH7 is on the minus strand). VCF-style: chr14-23413873-G-T. GRCh37 (hg19) VCF-style: chr14-23883082-G-T.
Other names: short protein forms N1892K.
Identifiers: ClinVar variation 1317383 (VCV001317383.2), dbSNP rs1595070496, ClinGen allele CA389034710.

ClinVar aggregate classification (germline): Uncertain significance (1 of 4 stars; one submission).

Submission:

GeneDx
Classification: Uncertain significance. Last evaluated: 2020-10-22. Review status: criteria provided, single submitter. Criteria: GeneDx Variant Classification Process June 2021. Collection method: clinical testing. Allele origin: germline. Affected: yes.
Comment: Has not been previously published as pathogenic or benign to our knowledge; Not observed in large population cohorts (Lek et al., 2016); In silico analysis supports that this missense variant has a deleterious effect on protein structure/function